The following is an entry in ClinVar:

ClinVar aggregate classification (germline): Uncertain significance. Review status: criteria provided, multiple submitters, no conflicts (2 of 4 stars). 4 submissions from 4 submitters: Uncertain significance (4). Last evaluated 2024-06-26.

Conditions:
Polycystic kidney disease 3 with or without polycystic liver disease. Also called: Polycystic kidney disease 3; Polycystic Kidney and/or Polycystic Liver Disease 3; POLYCYSTIC KIDNEY DISEASE, ADULT, TYPE III. Identifiers: MedGen C3887964, MONDO:0010916, OMIM 600666.

Submissions (4):

GeneDx
Classification: Uncertain significance. Last evaluated: 2024-06-26. Review status: criteria provided, single submitter. Criteria: GeneDx Variant Classification Process June 2021. Collection method: clinical testing. Allele origin: germline. Affected: yes.
Comment: Identified in a cohort of patients with suspected autosomal dominant polycystic kidney disease and was classified as a variant of uncertain significance in published literature (PMID: 33437033); Not observed at significant frequency in large population cohorts (gnomAD); In silico analysis indicates that this missense variant does not alter protein structure/function; This variant is associated with the following publications: (PMID: 33437033)

Labcorp Genetics (formerly Invitae), Labcorp
Classification: Uncertain significance. Last evaluated: 2024-01-10. Review status: criteria provided, single submitter. Criteria: Invitae Variant Classification Sherloc (09022015). Collection method: clinical testing. Allele origin: germline.
Comment: This sequence change replaces serine, which is neutral and polar, with threonine, which is neutral and polar, at codon 403 of the GANAB protein (p.Ser403Thr). This variant is not present in population databases (gnomAD no frequency). This missense change has been observed in individual(s) with polycystic kidney disease (PMID: 33437033). ClinVar contains an entry for this variant (Variation ID: 972833). Advanced modeling of protein sequence and biophysical properties (such as structural, functional, and spatial information, amino acid conservation, physicochemical variation, residue mobility, and thermodynamic stability) performed at Invitae indicates that this missense variant is not expected to disrupt GANAB protein function with a negative predictive value of 80%. In summary, the available evidence is currently insufficient to determine the role of this variant in disease. Therefore, it has been classified as a Variant of Uncertain Significance.

Fulgent Genetics
Classification: Uncertain significance for Polycystic kidney disease 3 with or without polycystic liver disease. Last evaluated: 2022-05-03. Review status: criteria provided, single submitter. Criteria: ACMG Guidelines, 2015. Collection method: clinical testing. Allele origin: unknown.

Molecular Genetics of Inherited Kidney Disorders Laboratory, Garvan Institute of Medical Research
Classification: Uncertain significance. Last evaluated: 2019-01-01. Review status: criteria provided, single submitter. Criteria: ACMG Guidelines, 2015. Collection method: clinical testing. Allele origin: germline. Affected: yes.

Literature cited by the submitters: PubMed 33437033 (cited by Labcorp Genetics (formerly Invitae), Labcorp).

NM_198334.3(GANAB):c.1142G>C (p.Ser381Thr)

Gene: GANAB (glucosidase II alpha subunit; minus strand). Cytogenetic location: 11q12.3.
Variant type: single nucleotide variant.
Coding change: c.1142G>C on transcript NM_198334.3 (MANE Select); coding-DNA position 1142, G replaced by C.
Protein change: p.Ser381Thr; replaces serine 381 with threonine.
Molecular consequence: missense variant.
Genome position (GRCh38, 1-based): chr11:62,631,038, C>G on the plus strand (G>C on the coding strand, the complement: GANAB is on the minus strand). VCF-style: chr11-62631038-C-G. GRCh37 (hg19) VCF-style: chr11-62398510-C-G.
Other names: c.866G>C, p.Ser289Thr (NM_001278192.2); c.800G>C, p.Ser267Thr (NM_001278193.2); c.851G>C, p.Ser284Thr (NM_001278194.2, NM_001329222.2, NM_001329223.2); c.419G>C, p.Ser140Thr (NM_001329224.2, NM_001329225.2); c.1208G>C, p.Ser403Thr (NM_198335.4); short protein forms S289T, S140T, S284T, S267T, S381T, S403T.
Identifiers: ClinVar variation 972833 (VCV000972833.6), dbSNP rs1043983959, ClinGen allele CA223048280.